The following is an entry in ClinVar:

NM_004333.6(BRAF):c.1165C>T (p.Arg389Cys)

Gene: BRAF (B-Raf proto-oncogene, serine/threonine kinase; minus strand). Cytogenetic location: 7q34.
Variant type: single nucleotide variant.
Coding change: c.1165C>T on transcript NM_004333.6 (MANE Select); coding-DNA position 1165, C replaced by T.
Protein change: p.Arg389Cys; replaces arginine 389 with cysteine.
Molecular consequence: missense variant. On other transcripts: intron variant (1).
Genome position (GRCh38, 1-based): chr7:140,787,560, G>A on the plus strand (C>T on the coding strand, the complement: BRAF is on the minus strand). VCF-style: chr7-140787560-G-A. GRCh37 (hg19) VCF-style: chr7-140487360-G-A.
Other names: p.R389C:CGT>TGT; c.1165C>T, p.Arg389Cys (NM_001354609.2, NM_001374244.1, NM_001374258.1 and 3 more transcripts); c.1174C>T, p.Arg392Cys (NM_001378467.1); c.1063C>T, p.Arg355Cys (NM_001378470.1); c.1009C>T, p.Arg337Cys (NM_001378472.1, NM_001378473.1); c.901C>T, p.Arg301Cys (NM_001378475.1); c.1141-4477C>T (NM_001378471.1); short protein forms R389C, R301C, R337C, R355C, R392C.
Identifiers: ClinVar variation 40359 (VCV000040359.6), dbSNP rs397507472, ClinGen allele CA281962.

ClinVar aggregate classification (germline): Uncertain significance. Review status: criteria provided, multiple submitters, no conflicts (2 of 4 stars). 2 submissions from 2 submitters: Uncertain significance (2). Last evaluated 2025-11-08.

Conditions:
RASopathy. Also called: rasopathies; Noonan spectrum disorder. Identifiers: Orphanet 536391, MedGen C5555857, MONDO:0021060.

Allele frequency attached by ClinVar (database versions not stated): gnomAD exomes 0.00001 and 0.00002; ExAC 0.00002; TOPMed 0.00001.
gnomAD v4.1: 12 of 1,612,336 alleles (0.00074%); highest among the groups gnomAD compares: African/African-American, 0.0027%; no homozygotes.

Submissions (2):

Labcorp Genetics (formerly Invitae), Labcorp
Classification: Uncertain significance for RASopathy. Last evaluated: 2025-11-08. Review status: criteria provided, single submitter. Criteria: Invitae Variant Classification Sherloc (09022015). Collection method: clinical testing. Allele origin: germline.
Comment: This sequence change replaces arginine, which is basic and polar, with cysteine, which is neutral and slightly polar, at codon 389 of the BRAF protein (p.Arg389Cys). This variant is present in population databases (rs397507472, gnomAD 0.008%). This variant has not been reported in the literature in individuals affected with BRAF-related conditions. ClinVar contains an entry for this variant (Variation ID: 40359). Invitae Evidence Modeling of protein sequence and biophysical properties (such as structural, functional, and spatial information, amino acid conservation, physicochemical variation, residue mobility, and thermodynamic stability) indicates that this missense variant is not expected to disrupt BRAF protein function with a negative predictive value of 80%. In summary, the available evidence is currently insufficient to determine the role of this variant in disease. Therefore, it has been classified as a Variant of Uncertain Significance.

GeneDx
Classification: Uncertain significance. Last evaluated: 2012-04-13. Review status: criteria provided, single submitter. Criteria: GeneDx Variant Classification (06012015). Collection method: clinical testing. Allele origin: germline. Affected: yes.
Comment: The R389C missense substitution has not been published as a mutation, nor has it been reported as a benign polymorphism to our knowledge. The R389C missense change is a non-conservative amino acid substitution with a positively charged residue (Arg) being replaced by a neutral residue (Cys). Furthermore, the addition of a Cysteine residue may affect disulfide bonds. The NHLBI ESP Exome Variant Server reports that R389C was not observed in approximately 2,400 samples from individuals of European and African American backgrounds, indicating it is not a common benign variant in these populations. However, the residue at which this substitution occurs is not conserved in the protein or in related proteins. There have also been no other disease-causing mutations reported in nearby codons. Therefore, the R389C missense change is considered to be a variant of unknown clinical significance.The variant is found in NOONAN panel(s).